The following is an entry in ClinVar:

NM_001845.6(COL4A1):c.4162T>G (p.Leu1388Val)

Gene: COL4A1 (collagen type IV alpha 1 chain; minus strand). Cytogenetic location: 13q34.
Variant type: single nucleotide variant.
Coding change: c.4162T>G on transcript NM_001845.6 (MANE Select); coding-DNA position 4162, T replaced by G.
Protein change: p.Leu1388Val; replaces leucine 1388 with valine.
Molecular consequence: missense variant.
Genome position (GRCh38, 1-based): chr13:110,163,550, A>C on the plus strand (T>G on the coding strand, the complement: COL4A1 is on the minus strand). VCF-style: chr13-110163550-A-C. GRCh37 (hg19) VCF-style: chr13-110815897-A-C.
Other names: short protein forms L1388V.
Identifiers: ClinVar variation 3684132 (VCV003684132.2).

ClinVar aggregate classification (germline): Uncertain significance (1 of 4 stars; one submission).

Submission:

Labcorp Genetics (formerly Invitae), Labcorp
Classification: Uncertain significance. Last evaluated: 2025-02-01. Review status: criteria provided, single submitter. Criteria: Invitae Variant Classification Sherloc (09022015). Collection method: clinical testing. Allele origin: germline.
Comment: This sequence change replaces leucine, which is neutral and non-polar, with valine, which is neutral and non-polar, at codon 1388 of the COL4A1 protein (p.Leu1388Val). This variant is present in population databases (no rsID available, gnomAD 0.0009%). This variant has not been reported in the literature in individuals affected with COL4A1-related conditions. Invitae Evidence Modeling of protein sequence and biophysical properties (such as structural, functional, and spatial information, amino acid conservation, physicochemical variation, residue mobility, and thermodynamic stability) indicates that this missense variant is not expected to disrupt COL4A1 protein function with a negative predictive value of 95%. In summary, the available evidence is currently insufficient to determine the role of this variant in disease. Therefore, it has been classified as a Variant of Uncertain Significance.